The following is an entry in ClinVar:

NM_001042750.2(STAG2):c.1788_1789insGG (p.Leu597fs)

Gene: STAG2 (STAG2 cohesin complex component; plus strand). Cytogenetic location: Xq25.
Variant type: Insertion.
Coding change: c.1788_1789insGG on transcript NM_001042750.2 (MANE Select); coding-DNA positions 1788 to 1789, GG inserted.
Protein change: p.Leu597fs; shifts the reading frame from leucine 597.
Molecular consequence: frameshift variant.
Genome position: GRCh38 VCF-style: chrX-124063172-T-TGG. GRCh37 (hg19) VCF-style: chrX-123197022-T-TGG.
Other names: c.1788_1789insGG, p.Leu597fs (NM_001042749.2, NM_001042751.2, NM_001282418.2 and 13 more transcripts); short protein forms L597fs.
Identifiers: ClinVar variation 3358932 (VCV003358932.1).
Genomic context (GRCh38, chrX:124,063,172, plus strand): 5'-ACAGTACTCTGTAGATGCAGAAAAGGTGACTAACTTGTTGCAGTTGCCTCAGTACTTTGA[T>TGG]TTGGAAATATATACCACTGGACGATTAGAAAAGGTAAGATTATTTTGTGTAAAAAAAACC-3'

ClinVar aggregate classification (germline): Pathogenic (1 of 4 stars; one submission).

Conditions:
Mullegama-Klein-Martinez syndrome. Also called: NEURODEVELOPMENTAL DISORDER, X-LINKED, WITH CRANIOFACIAL ABNORMALITIES. Identifiers: MedGen C5193008, MONDO:0026722, OMIM 301022.

Submission:

Department of Human Genetics, Hannover Medical School
Classification: Pathogenic for Mullegama-Klein-Martinez syndrome. Last evaluated: 2024-10-08. Review status: criteria provided, single submitter. Criteria: ACMG Guidelines, 2015. Collection method: clinical testing. Allele origin: de novo. Affected: yes.
Comment: ACMG: PVS1, PS2_Supporting, PM2_Supporting